The following is an entry in ClinVar:

ClinVar aggregate classification (germline): Uncertain significance (1 of 4 stars; one submission).

gnomAD v4.1: 2 of 1,273,366 alleles (0.00016%); highest among the groups gnomAD compares: Non-Finnish European, 0.0002%; no homozygotes.

Submission:

CeGaT Center for Human Genetics Tuebingen
Classification: Uncertain significance. Last evaluated: 2024-07-01. Review status: criteria provided, single submitter. Criteria: CeGaT Center For Human Genetics Tuebingen Variant Classification Criteria Version 2. Collection method: clinical testing. Allele origin: germline. Affected: yes. Observed: 1 variant allele.
Comment: ADCY5: PM2

NM_183357.3(ADCY5):c.74G>A (p.Gly25Asp)

Gene: ADCY5 (adenylate cyclase 5; minus strand). Cytogenetic location: 3q21.1.
Variant type: single nucleotide variant.
Coding change: c.74G>A on transcript NM_183357.3 (MANE Select); coding-DNA position 74, G replaced by A.
Protein change: p.Gly25Asp; replaces glycine 25 with aspartic acid.
Molecular consequence: missense variant.
Genome position (GRCh38, 1-based): chr3:123,448,472, C>T on the plus strand (G>A on the coding strand, the complement: ADCY5 is on the minus strand). VCF-style: chr3-123448472-C-T. GRCh37 (hg19) VCF-style: chr3-123167319-C-T.
Other names: c.74G>A, p.Gly25Asp (NM_001378259.1); short protein forms G25D.
Identifiers: ClinVar variation 3257234 (VCV003257234.17).